The following is an entry in ClinVar:

NM_020971.3(SPTBN4):c.766C>A (p.Arg256=)

Gene: SPTBN4 (spectrin beta, non-erythrocytic 4; plus strand). Cytogenetic location: 19q13.2.
Variant type: single nucleotide variant.
Coding change: c.766C>A on transcript NM_020971.3 (MANE Select); coding-DNA position 766, C replaced by A.
Protein change: p.Arg256=; no amino-acid change (arginine 256 retained).
Molecular consequence: synonymous variant.
Genome position (GRCh38, 1-based): chr19:40,497,586, C>A. VCF-style: chr19-40497586-C-A. GRCh37 (hg19) VCF-style: chr19-41003493-C-A.
Identifiers: ClinVar variation 3047350 (VCV003047350.3), dbSNP rs200954322, ClinGen allele CA9445423.

ClinVar aggregate classification (germline): Likely benign. Review status: criteria provided, single submitter (1 of 4 stars). 2 submissions from 2 submitters: Likely benign (1). 1 of the submissions does not count toward it. Last evaluated 2023-10-25.

Conditions:
SPTBN4-related disorder. Also called: SPTBN4-related condition.

Allele frequency attached by ClinVar (database versions not stated): 1000 Genomes Project 0.00060; 1000 Genomes Project 30x 0.00062.
gnomAD v4.1: 186 of 1,613,828 alleles (0.012%); highest among the groups gnomAD compares: East Asian, 0.39%; 1 homozygote.

Submissions (2):

Blueprint Genetics
Classification: Likely benign. Last evaluated: 2023-10-25. Review status: criteria provided, single submitter. Criteria: ACMG Guidelines, 2015. Collection method: clinical testing. Allele origin: germline.

PreventionGenetics, part of Exact Sciences
Classification: Likely benign for SPTBN4-related condition. Last evaluated: 2019-03-28. Review status: no assertion criteria provided. Collection method: clinical testing. Allele origin: germline. Not counted in ClinVar's aggregate classification.
Comment: This variant is classified as likely benign based on ACMG/AMP sequence variant interpretation guidelines (Richards et al. 2015 PMID: 25741868, with internal and published modifications).